The following is an entry in ClinVar:

NM_016166.3(PIAS1):c.535C>A (p.Gln179Lys)

Gene: PIAS1 (protein inhibitor of activated STAT 1; plus strand). Cytogenetic location: 15q23.
Variant type: single nucleotide variant.
Coding change: c.535C>A on transcript NM_016166.3 (MANE Select); coding-DNA position 535, C replaced by A.
Protein change: p.Gln179Lys; replaces glutamine 179 with lysine.
Molecular consequence: missense variant.
Genome position (GRCh38, 1-based): chr15:68,142,011, C>A. VCF-style: chr15-68142011-C-A. GRCh37 (hg19) VCF-style: chr15-68434349-C-A.
Other names: c.541C>A, p.Gln181Lys (NM_001320687.1); short protein forms Q181K, Q179K.
Identifiers: ClinVar variation 3702140 (VCV003702140.2).

ClinVar aggregate classification (germline): Uncertain significance (1 of 4 stars; one submission).

gnomAD v4.1: 3 of 1,601,476 alleles (0.00019%); highest among the groups gnomAD compares: Admixed American, 0.0051%; no homozygotes.

Submission:

Labcorp Genetics (formerly Invitae), Labcorp
Classification: Uncertain significance. Last evaluated: 2025-04-21. Review status: criteria provided, single submitter. Criteria: Invitae Variant Classification Sherloc (09022015). Collection method: clinical testing. Allele origin: germline.
Comment: This sequence change replaces glutamine, which is neutral and polar, with lysine, which is basic and polar, at codon 179 of the PIAS1 protein (p.Gln179Lys). This variant is not present in population databases (gnomAD no frequency). This variant has not been reported in the literature in individuals affected with PIAS1-related conditions. ClinVar contains an entry for this variant (Variation ID: 3702140). Invitae Evidence Modeling of protein sequence and biophysical properties (such as structural, functional, and spatial information, amino acid conservation, physicochemical variation, residue mobility, and thermodynamic stability) indicates that this missense variant is not expected to disrupt PIAS1 protein function with a negative predictive value of 80%. In summary, the available evidence is currently insufficient to determine the role of this variant in disease. Therefore, it has been classified as a Variant of Uncertain Significance.